The following is an entry in ClinVar:

NM_015512.5(DNAH1):c.6472G>A (p.Ala2158Thr)

Gene: DNAH1 (dynein axonemal heavy chain 1; plus strand). Cytogenetic location: 3p21.1.
Variant type: single nucleotide variant.
Coding change: c.6472G>A on transcript NM_015512.5 (MANE Select); coding-DNA position 6472, G replaced by A.
Protein change: p.Ala2158Thr; replaces alanine 2158 with threonine.
Molecular consequence: missense variant.
Genome position (GRCh38, 1-based): chr3:52,370,772, G>A. VCF-style: chr3-52370772-G-A. GRCh37 (hg19) VCF-style: chr3-52404788-G-A.
Other names: short protein forms A2158T.
Identifiers: ClinVar variation 2365665 (VCV002365665.5), dbSNP rs200888590, ClinGen allele CA2434528.
Genomic context (GRCh38, chr3:52,370,772, plus strand): 5'-CGGCAGCTGACTCTGCTTTTCCCAGAAGAGGGGCTGGTGTTCGATTACAGGCTGGAGGAC[G>A]CGGGCATCAGTGGCACCAACGACAGTGAGGATGAAGAGGAGGAATACAAGCAGGTGGCCG-3'
Protein context (NP_056327.4, residues 2148-2168): GLVFDYRLED[Ala2158Thr]GISGTNDSED

ClinVar aggregate classification (germline): Uncertain significance. Review status: criteria provided, multiple submitters, no conflicts (2 of 4 stars). 3 submissions from 3 submitters: Uncertain significance (3). Last evaluated 2025-08-09.

Conditions:
Spermatogenic failure 18. Identifiers: MedGen C4539783, MONDO:0054615, OMIM 617576.
Ciliary dyskinesia, primary, 37 (CILD37). Also called: CILIARY DYSKINESIA, PRIMARY, 37, WITH OR WITHOUT SITUS INVERSUS. Identifiers: MedGen C4539798, MONDO:0033204, OMIM 617577.

Allele frequency attached by ClinVar (database versions not stated): TOPMed 0.00003; gnomAD 0.00005; ExAC 0.00009; gnomAD exomes 0.00012.
gnomAD v4.1: 178 of 1,607,758 alleles (0.011%); highest among the groups gnomAD compares: Non-Finnish European, 0.014%; no homozygotes.

Submissions (3):

Ambry Genetics
Classification: Uncertain significance. Last evaluated: 2025-08-09. Review status: criteria provided, single submitter. Criteria: Ambry Variant Classification Scheme 2023. Collection method: clinical testing. Allele origin: germline.

Labcorp Genetics (formerly Invitae), Labcorp
Classification: Uncertain significance for Ciliary dyskinesia, primary, 37; Spermatogenic failure 18. Last evaluated: 2024-08-13. Review status: criteria provided, single submitter. Criteria: Invitae Variant Classification Sherloc (09022015). Collection method: clinical testing. Allele origin: germline.
Comment: This sequence change replaces alanine, which is neutral and non-polar, with threonine, which is neutral and polar, at codon 2158 of the DNAH1 protein (p.Ala2158Thr). The frequency data for this variant in the population databases is considered unreliable, as metrics indicate poor data quality at this position in the gnomAD database. This variant has not been reported in the literature in individuals affected with DNAH1-related conditions. ClinVar contains an entry for this variant (Variation ID: 2365665). An algorithm developed to predict the effect of missense changes on protein structure and function outputs the following: PolyPhen-2: "Benign". The threonine amino acid residue is found in multiple mammalian species, which suggests that this missense change does not adversely affect protein function. In summary, the available evidence is currently insufficient to determine the role of this variant in disease. Therefore, it has been classified as a Variant of Uncertain Significance.

Blueprint Genetics
Classification: Uncertain significance. Last evaluated: 2024-07-09. Review status: criteria provided, single submitter. Criteria: ACMG Guidelines, 2015. Collection method: clinical testing. Allele origin: germline.